The following is an entry in ClinVar:

NM_000138.5(FBN1):c.6934G>A (p.Gly2312Arg)

Gene: FBN1 (fibrillin 1; minus strand). Cytogenetic location: 15q21.1.
Variant type: single nucleotide variant.
Coding change: c.6934G>A on transcript NM_000138.5 (MANE Select); coding-DNA position 6934, G replaced by A.
Protein change: p.Gly2312Arg; replaces glycine 2312 with arginine.
Molecular consequence: missense variant.
Genome position (GRCh38, 1-based): chr15:48,428,409, C>T on the plus strand (G>A on the coding strand, the complement: FBN1 is on the minus strand). VCF-style: chr15-48428409-C-T. GRCh37 (hg19) VCF-style: chr15-48720606-C-T.
Other names: c.6934G>A, p.Gly2312Arg (NM_001406716.1); short protein forms G2312R.
Identifiers: ClinVar variation 3075326 (VCV003075326.1), dbSNP rs2505415189, ClinGen allele CA392330683.

ClinVar aggregate classification (germline): Uncertain significance (1 of 4 stars; one submission).

Conditions:
Marfan syndrome (MFS). Also called: MARFAN SYNDROME, TYPE I; Marfan syndrome type 1; Marfan's syndrome; Marfan syndrome, classic; FBN1-Related Marfan Syndrome. Identifiers: Orphanet 284963, Orphanet 558, MedGen C0024796, MONDO:0007947, OMIM 154700.

Submission:

All of Us Research Program, National Institutes of Health
Classification: Uncertain significance for Marfan syndrome. Last evaluated: 2024-01-11. Review status: criteria provided, single submitter. Criteria: ACMG Guidelines, 2015. Collection method: clinical testing. Allele origin: germline. Inheritance: Autosomal dominant inheritance. Observed: 1 variant allele, 1 heterozygote.
Comment: This study involves interpretation of variants in research participants for the purpose of population health screening. Participant phenotype was not available at the time of variant classification. Additional details can be found in publication PMID: 35346344, PMCID: PMC8962531